The following is an entry in ClinVar:

NM_000548.5(TSC2):c.336+2T>G

Gene: TSC2 (TSC complex subunit 2; plus strand). Cytogenetic location: 16p13.3.
Variant type: single nucleotide variant.
Coding change: c.336+2T>G on transcript NM_000548.5 (MANE Select); the canonical splice donor site of the intron after coding-DNA position 336, T replaced by G.
Molecular consequence: splice donor variant. On other transcripts: missense variant (3), 5 prime UTR variant (1), intron variant (9).
Genome position (GRCh38, 1-based): chr16:2,053,454, T>G. VCF-style: chr16-2053454-T-G. GRCh37 (hg19) VCF-style: chr16-2103455-T-G.
Other names: c.338T>G, p.Val113Gly (NM_001406667.1, NM_001406668.1); c.191T>G, p.Val64Gly (NM_001406677.1); c.-1400T>G (NM_001406693.1); c.-481+2T>G (NM_001406680.1, NM_001406683.1, NM_001406687.1); c.-1096+2T>G (NM_001406689.1, NM_001406690.1, NM_001406692.1 and 2 more transcripts); c.-1272+2T>G (NM_001406698.1); c.336+2T>G (NM_001114382.3, NM_001406663.1, NM_001406664.1 and 8 more transcripts); c.-977+2T>G (NM_001406694.1, NM_001406695.1); and 6 more; short protein forms V113G, V64G.
Identifiers: ClinVar variation 50065 (VCV000050065.3), dbSNP rs45505995, ClinGen allele CA018982.

ClinVar aggregate classification (germline): Pathogenic. Review status: criteria provided, single submitter (1 of 4 stars). 2 submissions from 2 submitters: Pathogenic (1). 1 of the submissions does not count toward it. Last evaluated 2023-06-05.

Conditions:
Tuberous sclerosis syndrome (TSC). Also called: Tuberous Sclerosis Complex; Tuberous sclerosis. Identifiers: Orphanet 805, MedGen C0041341, MONDO:0001734.

Submissions (2):

GeneDx
Classification: Pathogenic. Last evaluated: 2023-06-05. Review status: criteria provided, single submitter. Criteria: GeneDx Variant Classification Process June 2021. Collection method: clinical testing. Allele origin: germline. Affected: yes.
Comment: Canonical splice site variant predicted to result in an in-frame loss of the adjacent exon in a gene for which loss of function is a known mechanism of disease; Not observed at significant frequency in large population cohorts (gnomAD); Deletions involving coding exons of this gene are a known mechanism of disease (HGMD); This variant is associated with the following publications: (PMID: 25525159, 11112665, 18466115, 24325802, 12015165, 17304050)

Tuberous sclerosis database (TSC2)
No classification provided. Condition: TSC. Review status: no classification provided. Criteria: Tuberous Sclerosis Database Assertion Criteria 2015. Collection method: curation. Allele origin: germline. Affected: yes. Not counted in ClinVar's aggregate classification.